The following is an entry in ClinVar:

ClinVar aggregate classification (germline): Uncertain significance. Review status: criteria provided, multiple submitters, no conflicts (2 of 4 stars). 2 submissions from 2 submitters: Uncertain significance (2). Last evaluated 2025-11-20.

Conditions:
Emery-Dreifuss muscular dystrophy (EDMD). Also called: Scapuloperoneal syndrome, X-linked (formerly); Humeroperoneal neuromuscular disease, (formerly). Identifiers: Orphanet 261, MedGen C0410189, MONDO:0016830.

Allele frequency attached by ClinVar (database versions not stated): gnomAD 0.00002.
gnomAD v4.1: 8 of 1,614,140 alleles (0.0005%); highest among the groups gnomAD compares: Admixed American, 0.0067%; no homozygotes.

Submissions (2):

Ambry Genetics
Classification: Uncertain significance. Last evaluated: 2025-11-20. Review status: criteria provided, single submitter. Criteria: Ambry Variant Classification Scheme 2023. Collection method: clinical testing. Allele origin: germline.

Labcorp Genetics (formerly Invitae), Labcorp
Classification: Uncertain significance for Emery-Dreifuss muscular dystrophy. Last evaluated: 2023-09-30. Review status: criteria provided, single submitter. Criteria: Invitae Variant Classification Sherloc (09022015). Collection method: clinical testing. Allele origin: germline.
Comment: This sequence change replaces serine, which is neutral and polar, with proline, which is neutral and non-polar, at codon 538 of the SUN1 protein (p.Ser538Pro). This variant is not present in population databases (gnomAD no frequency). This variant has not been reported in the literature in individuals affected with SUN1-related conditions. ClinVar contains an entry for this variant (Variation ID: 1927732). An algorithm developed to predict the effect of missense changes on protein structure and function (PolyPhen-2) suggests that this variant is likely to be disruptive. In summary, the available evidence is currently insufficient to determine the role of this variant in disease. Therefore, it has been classified as a Variant of Uncertain Significance.

NM_001130965.3(SUN1):c.1612T>C (p.Ser538Pro)

Gene: SUN1 (Sad1 and UNC84 domain containing 1; plus strand). Cytogenetic location: 7p22.3.
Variant type: single nucleotide variant.
Coding change: c.1612T>C on transcript NM_001130965.3 (MANE Select); coding-DNA position 1612, T replaced by C.
Protein change: p.Ser538Pro; replaces serine 538 with proline.
Molecular consequence: missense variant. On other transcripts: non-coding transcript variant (3).
Genome position (GRCh38, 1-based): chr7:860,215, T>C. VCF-style: chr7-860215-T-C. GRCh37 (hg19) VCF-style: chr7-899852-T-C.
Other names: c.2026T>C, p.Ser676Pro (NM_001367651.1); c.1612T>C, p.Ser538Pro (NM_001367653.1, NM_001367633.1, NM_001367634.1); c.1822T>C, p.Ser608Pro (NM_001367655.1, NM_001367700.1); c.898T>C, p.Ser300Pro (NM_001367658.1); c.1429T>C, p.Ser477Pro (NM_001367660.1); c.1459T>C, p.Ser487Pro (NM_001367662.1, NM_001367671.1); c.1723T>C, p.Ser575Pro (NM_001367664.1, NM_001367685.1); c.1609T>C, p.Ser537Pro (NM_001367665.1, NM_001367694.1); and 44 more; short protein forms S300P, S455P, S505P, S512P, S524P, S537P, S552P, S553P.
Identifiers: ClinVar variation 1927732 (VCV001927732.7), dbSNP rs952973874, ClinGen allele CA152357940.
Genomic context (GRCh38, chr7:860,215, plus strand): 5'-AAACTCCTGTTTTCCGAAGATCAGCAAGGCGGTTCTCTGGAACAGCTGCTGCAGAGGTTC[T>C]CATCACAGTTTGTGAGCAAAGGCGACTTGCAGACGATGCTGCGAGACCTGCAGCTGCAGA-3'
Protein context (NP_001124437.1, residues 528-548): GSLEQLLQRF[Ser538Pro]SQFVSKGDLQ